The following is an entry in ClinVar:

ClinVar aggregate classification (germline): Benign. Review status: criteria provided, multiple submitters, no conflicts (2 of 4 stars). 6 submissions from 6 submitters: Benign (5). 1 of the submissions does not count toward it. Last evaluated 2026-02-04.

Conditions:
LTBP4-related disorder. Also called: LTBP4-related condition.
Cutis laxa with severe pulmonary, gastrointestinal and urinary anomalies. Also called: URBAN-RIFKIN-DAVIS SYNDROME; Cutis laxa, autosomal recessive, type IC; LTBP4-Related Cutis Laxa. Identifiers: Orphanet 221145, MedGen C2750804, MONDO:0013170, OMIM 613177. Disease mechanism: loss of function.

Allele frequency attached by ClinVar (database versions not stated): 1000 Genomes Project 30x 0.01156; 1000 Genomes Project 0.01218; TOPMed 0.02730; gnomAD 0.02904 and 0.02986; ESP Exome Variant Server 0.03017.
gnomAD v4.1: 66,518 of 1,593,254 alleles (4.2%); highest among the groups gnomAD compares: Non-Finnish European, 5%; 1,658 homozygotes.

Submissions (6):

Labcorp Genetics (formerly Invitae), Labcorp
Classification: Benign. Last evaluated: 2026-02-04. Review status: criteria provided, single submitter. Criteria: Invitae Variant Classification Sherloc (09022015). Collection method: clinical testing. Allele origin: germline.

Illumina Laboratory Services, Illumina
Classification: Benign for Cutis laxa with severe pulmonary, gastrointestinal and urinary anomalies. Last evaluated: 2018-01-13. Review status: criteria provided, single submitter. Criteria: ICSL Variant Classification Criteria 13 December 2019. Collection method: clinical testing. Allele origin: germline.
Comment: This variant was observed in the ICSL laboratory as part of a predisposition screen in an ostensibly healthy population. It had not been previously curated by ICSL or reported in the Human Gene Mutation Database (HGMD: prior to June 1st, 2018), and was therefore a candidate for classification through an automated scoring system. Utilizing variant allele frequency, disease prevalence and penetrance estimates, and inheritance mode, an automated score was calculated to assess if this variant is too frequent to cause the disease. Based on the score and internal cut-off values, a variant classified as benign is not then subjected to further curation. The score for this variant resulted in a classification of benign for this disease.

GeneDx
Classification: Benign. Last evaluated: 2016-09-30. Review status: criteria provided, single submitter. Criteria: GeneDx Variant Classification (06012015). Collection method: clinical testing. Allele origin: germline. Affected: yes.
Comment: This variant is considered likely benign or benign based on one or more of the following criteria: it is a conservative change, it occurs at a poorly conserved position in the protein, it is predicted to be benign by multiple in silico algorithms, and/or has population frequency not consistent with disease.

Laboratory for Molecular Medicine, Mass General Brigham Personalized Medicine
Classification: Benign. Last evaluated: 2013-02-21. Review status: criteria provided, single submitter. Criteria: LMM Criteria. Collection method: clinical testing. Allele origin: germline. Observed: 2 variant alleles.
Comment: Arg635Gly in exon 15 of LTBP4: This variant is not expected to have clinical sig nificance because it has been identified in 4.2% (351/8364) of European American chromosomes from a broad population by the NHLBI Exome Sequencing Project (dbSNP rs33937741).

Breakthrough Genomics
Classification: Benign. Review status: criteria provided, single submitter. Criteria: ACMG Guidelines, 2015. Collection method: not provided. Allele origin: germline. Inheritance: Autosomal recessive inheritance. Affected: yes.

PreventionGenetics, part of Exact Sciences
Classification: Benign for LTBP4-related condition. Last evaluated: 2019-04-02. Review status: no assertion criteria provided. Collection method: clinical testing. Allele origin: germline. Not counted in ClinVar's aggregate classification.
Comment: This variant is classified as benign based on ACMG/AMP sequence variant interpretation guidelines (Richards et al. 2015 PMID: 25741868, with internal and published modifications).

NM_001042545.2(LTBP4):c.1702C>G (p.Arg568Gly)

Gene: LTBP4 (latent transforming growth factor beta binding protein 4; plus strand). Cytogenetic location: 19q13.2.
Variant type: single nucleotide variant.
Coding change: c.1702C>G on transcript NM_001042545.2 (MANE Select); coding-DNA position 1702, C replaced by G.
Protein change: p.Arg568Gly; replaces arginine 568 with glycine.
Molecular consequence: missense variant.
Genome position (GRCh38, 1-based): chr19:40,610,549, C>G. VCF-style: chr19-40610549-C-G. GRCh37 (hg19) VCF-style: chr19-41116455-C-G.
Other names: c.1903C>G, p.Arg635Gly (NM_001042544.1); c.1792C>G, p.Arg598Gly (NM_003573.2); short protein forms R568G, R635G, R598G.
Identifiers: ClinVar variation 329310 (VCV000329310.18), dbSNP rs33937741, ClinGen allele CA9448408.